The following is an entry in ClinVar:

NM_006086.4(TUBB3):c.277+143C>T

Gene: TUBB3 (tubulin beta 3 class III; plus strand). Cytogenetic location: 16q24.3.
Variant type: single nucleotide variant.
Coding change: c.277+143C>T on transcript NM_006086.4 (MANE Select); 143 bases into the intron after coding-DNA position 277, C replaced by T.
Molecular consequence: intron variant.
Genome position (GRCh38, 1-based): chr16:89,933,721, C>T. VCF-style: chr16-89933721-C-T. GRCh37 (hg19) VCF-style: chr16-90000129-C-T.
Other names: c.61+143C>T (NM_001197181.2).
Identifiers: ClinVar variation 2647145 (VCV002647145.24), dbSNP rs140531184, ClinGen allele CA8256049.

ClinVar aggregate classification (germline): Benign (1 of 4 stars; one submission).

Allele frequency attached by ClinVar (database versions not stated): 1000 Genomes Project 0.00140; 1000 Genomes Project 30x 0.00156; TOPMed 0.00162; gnomAD 0.00168; gnomAD exomes 0.00258; ExAC 0.00504.
gnomAD v4.1: 1,862 of 768,352 alleles (0.24%); highest among the groups gnomAD compares: Middle Eastern, 0.88%; 16 homozygotes.

Submission:

CeGaT Center for Human Genetics Tuebingen
Classification: Benign. Last evaluated: 2023-07-01. Review status: criteria provided, single submitter. Criteria: CeGaT Center For Human Genetics Tuebingen Variant Classification Criteria Version 2. Collection method: clinical testing. Allele origin: germline. Affected: yes. Observed: 4 variant alleles.
Comment: TUBB3: BS1, BS2